The following is an entry in ClinVar:

ClinVar aggregate classification (germline): Uncertain significance. Review status: criteria provided, multiple submitters, no conflicts (2 of 4 stars). 7 submissions from 7 submitters: Uncertain significance (7). Last evaluated 2026-10-14.

Conditions:
Joubert syndrome 9 (JBTS9). Identifiers: Orphanet 2318, MedGen C2676788, MONDO:0012849, OMIM 612285.
Meckel syndrome, type 6. Identifiers: Orphanet 564, MedGen C2676790, MONDO:0012848, OMIM 612284.
Retinitis pigmentosa 93. Identifiers: MedGen C5676970, MONDO:0030797, OMIM 619845.
COACH syndrome 2. Identifiers: MedGen C5436837, MONDO:0030859, OMIM 619111.
Inborn genetic diseases. Identifiers: MedGen C0950123, MeSH D030342.
CC2D2A-related disorder. Also called: CC2D2A-related condition; CC2D2A-related disorders. Identifiers: MedGen CN239313.
Meckel-Gruber syndrome. Also called: Dysencephalia splachnocystica; DYSENCEPHALIA SPLANCHNOCYSTICA; GRUBER SYNDROME. Identifiers: Orphanet 564, MedGen C0265215, MONDO:0018921.
Joubert syndrome. Also called: JOUBERT-BOLTSHAUSER SYNDROME; Familial aplasia of the vermis. Identifiers: Orphanet 475, MedGen C5979921, MONDO:0018772.

Allele frequency attached by ClinVar (database versions not stated): ESP Exome Variant Server 0.00008; TOPMed 0.00014; gnomAD 0.00015; 1000 Genomes Project 30x 0.00016; 1000 Genomes Project 0.00020.
gnomAD v4.1: 35 of 1,598,652 alleles (0.0022%); highest among the groups gnomAD compares: African/African-American, 0.039%; no homozygotes.

Submissions (7):

GeneDx
Classification: Uncertain significance. Last evaluated: 2026-10-14. Review status: criteria provided, single submitter. Criteria: GeneDx Variant Classification Process June 2021. Collection method: clinical testing. Allele origin: germline.
Comment: In silico analysis suggests that this missense variant does not alter protein structure/function; Has not been previously published as pathogenic or benign to our knowledge

PreventionGenetics, part of Exact Sciences
Classification: Uncertain significance for CC2D2A-related condition. Last evaluated: 2026-09-04. Review status: criteria provided, single submitter. Criteria: ACMG Guidelines, 2015. Collection method: clinical testing. Allele origin: germline.
Comment: The CC2D2A c.3368G>A variant is predicted to result in the amino acid substitution p.Ser1123Asn. To our knowledge, this variant has not been reported in the literature. This variant is reported in 0.042% of alleles in individuals of African descent in gnomAD. At this time, the clinical significance of this variant is uncertain due to the absence of conclusive functional and genetic evidence.

Labcorp Genetics (formerly Invitae), Labcorp
Classification: Uncertain significance for Joubert syndrome; Meckel-Gruber syndrome. Last evaluated: 2026-01-27. Review status: criteria provided, single submitter. Criteria: Invitae Variant Classification Sherloc (09022015). Collection method: clinical testing. Allele origin: germline.
Comment: This sequence change replaces serine, which is neutral and polar, with asparagine, which is neutral and polar, at codon 1123 of the CC2D2A protein (p.Ser1123Asn). This variant is present in population databases (rs377404804, gnomAD 0.05%). This missense change has been observed in individual(s) with retinitis pigmentosa (internal data). In at least one individual the data is consistent with being in trans (on the opposite chromosome) from a pathogenic variant. ClinVar contains an entry for this variant (Variation ID: 497876). Invitae Evidence Modeling of protein sequence and biophysical properties (such as structural, functional, and spatial information, amino acid conservation, physicochemical variation, residue mobility, and thermodynamic stability) indicates that this missense variant is not expected to disrupt CC2D2A protein function with a negative predictive value of 95%. In summary, the available evidence is currently insufficient to determine the role of this variant in disease. Therefore, it has been classified as a Variant of Uncertain Significance.

Mayo Clinic Laboratories, Mayo Clinic
Classification: Uncertain significance. Last evaluated: 2024-08-05. Review status: criteria provided, single submitter. Criteria: ACMG Guidelines, 2015. Collection method: clinical testing. Allele origin: germline. Observed: 2 variant alleles.

Fulgent Genetics
Classification: Uncertain significance for Meckel syndrome, type 6; Joubert syndrome 9; COACH syndrome 2; Retinitis pigmentosa 93. Last evaluated: 2024-03-23. Review status: criteria provided, single submitter. Criteria: ACMG Guidelines, 2015. Collection method: clinical testing. Allele origin: germline.

Ambry Genetics
Classification: Uncertain significance for Inborn genetic diseases. Last evaluated: 2023-09-20. Review status: criteria provided, single submitter. Criteria: Ambry Variant Classification Scheme 2023. Collection method: clinical testing. Allele origin: germline.

Eurofins Ntd Llc (ga)
Classification: Uncertain significance. Last evaluated: 2017-10-18. Review status: criteria provided, single submitter. Criteria: EGL Classification Definitions 2015. Collection method: clinical testing. Allele origin: germline. Observed: 2 variant alleles, 2 heterozygotes.

NM_001378615.1(CC2D2A):c.3368G>A (p.Ser1123Asn)

Genes: CC2D2A (coiled-coil and C2 domain containing 2A; plus strand), FBXL5 (F-box and leucine rich repeat protein 5; minus strand). Cytogenetic location: 4p15.32.
Variant type: single nucleotide variant.
Coding change: c.3368G>A on transcript NM_001378615.1 (MANE Select); coding-DNA position 3368, G replaced by A.
Protein change: p.Ser1123Asn; replaces serine 1123 with asparagine.
Molecular consequence: missense variant.
Genome position (GRCh38, 1-based): chr4:15,567,756, G>A. VCF-style: chr4-15567756-G-A. GRCh37 (hg19) VCF-style: chr4-15569379-G-A.
Other names: p.Ser1123Asn; c.3368G>A, p.Ser1123Asn (NM_001080522.2); c.3221G>A, p.Ser1074Asn (NM_001378617.1); short protein forms S1123N, S1074N.
Identifiers: ClinVar variation 497876 (VCV000497876.19), dbSNP rs377404804, ClinGen allele CA2864147.